The following is an entry in ClinVar:

ClinVar aggregate classification (germline): Conflicting classifications of pathogenicity. Review status: criteria provided, conflicting classifications (1 of 4 stars). 3 submissions from 3 submitters: Uncertain significance (2); Likely benign (1). Last evaluated 2024-01-22.

Conditions:
Renal tubular dysgenesis of genetic origin. Also called: PRIMITIVE RENAL TUBULE SYNDROME. Identifiers: Orphanet 97369, MedGen C5681536, MONDO:0009970, OMIM 267430.
Inborn genetic diseases. Identifiers: MedGen C0950123, MeSH D030342.

Allele frequency attached by ClinVar (database versions not stated): TOPMed 0.00001; 1000 Genomes Project 30x 0.00016; 1000 Genomes Project 0.00020; gnomAD 0.00003; gnomAD exomes 0.00008; ExAC 0.00015.
gnomAD v4.1: 121 of 1,614,220 alleles (0.0075%); highest among the groups gnomAD compares: South Asian, 0.099%; 2 homozygotes.

Submissions (3):

Fulgent Genetics
Classification: Uncertain significance for Renal tubular dysgenesis of genetic origin. Last evaluated: 2024-01-22. Review status: criteria provided, single submitter. Criteria: ACMG Guidelines, 2015. Collection method: clinical testing. Allele origin: germline.

Ambry Genetics
Classification: Likely benign for Inborn genetic diseases. Last evaluated: 2023-12-21. Review status: criteria provided, single submitter. Criteria: Ambry Variant Classification Scheme 2023. Collection method: clinical testing. Allele origin: germline.

Labcorp Genetics (formerly Invitae), Labcorp
Classification: Uncertain significance. Last evaluated: 2022-07-11. Review status: criteria provided, single submitter. Criteria: Invitae Variant Classification Sherloc (09022015). Collection method: clinical testing. Allele origin: germline.
Comment: In summary, the available evidence is currently insufficient to determine the role of this variant in disease. Therefore, it has been classified as a Variant of Uncertain Significance. Algorithms developed to predict the effect of missense changes on protein structure and function output the following: SIFT: "Tolerated"; PolyPhen-2: "Benign"; Align-GVGD: "Class C0". The isoleucine amino acid residue is found in multiple mammalian species, which suggests that this missense change does not adversely affect protein function. This variant has not been reported in the literature in individuals affected with AGT-related conditions. This variant is present in population databases (rs559327874, gnomAD 0.09%). This sequence change replaces valine, which is neutral and non-polar, with isoleucine, which is neutral and non-polar, at codon 133 of the AGT protein (p.Val133Ile).

NM_001384479.1(AGT):c.370G>A (p.Val124Ile)

Gene: AGT (angiotensinogen; minus strand). Cytogenetic location: 1q42.2.
Variant type: single nucleotide variant.
Coding change: c.370G>A on transcript NM_001384479.1 (MANE Select); coding-DNA position 370, G replaced by A.
Protein change: p.Val124Ile; replaces valine 124 with isoleucine.
Molecular consequence: missense variant.
Genome position (GRCh38, 1-based): chr1:230,710,454, C>T on the plus strand (G>A on the coding strand, the complement: AGT is on the minus strand). VCF-style: chr1-230710454-C-T. GRCh37 (hg19) VCF-style: chr1-230846200-C-T.
Other names: NM_000029.3:c.397G>A; c.370G>A, p.Val124Ile (NM_001382817.3); short protein forms V124I.
Identifiers: ClinVar variation 2060541 (VCV002060541.5), dbSNP rs559327874, ClinGen allele CA1448312.
Genomic context (GRCh38, chr1:230,710,454, plus strand): 5'-GGTCCAAGGCTCCCAGATAGAGAGAGGCCAGGGTGCCAAAGACAGCCGTTGGGGAGAGGA[C>T]GGTGGCCCCATGGACCACGCCCCATAGCTCACTGTGCATGCCATATATACGGAAGCCCAA-3'
Protein context (NP_001371408.1, residues 114-134): ELWGVVHGAT[Val124Ile]LSPTAVFGTL